The following is an entry in ClinVar:

ClinVar aggregate classification (germline): Pathogenic (1 of 4 stars; one submission).

Conditions:
Kufor-Rakeb syndrome (KRS). Also called: PARKINSON DISEASE 9, AUTOSOMAL RECESSIVE, JUVENILE-ONSET. Identifiers: Orphanet 306674, Orphanet 314632, MedGen C1847640, MONDO:0011706, OMIM 606693.
Autosomal recessive spastic paraplegia type 78. Identifiers: Orphanet 513436, MedGen C5567893, MONDO:0014975, OMIM 617225.

Submission:

Labcorp Genetics (formerly Invitae), Labcorp
Classification: Pathogenic for Kufor-Rakeb syndrome; Autosomal recessive spastic paraplegia type 78. Last evaluated: 2022-07-02. Review status: criteria provided, single submitter. Criteria: Invitae Variant Classification Sherloc (09022015). Collection method: clinical testing. Allele origin: germline.
Comment: For these reasons, this variant has been classified as Pathogenic. This variant has not been reported in the literature in individuals affected with ATP13A2-related conditions. This variant is not present in population databases (gnomAD no frequency). This sequence change creates a premature translational stop signal (p.Ser433Leufs*24) in the ATP13A2 gene. It is expected to result in an absent or disrupted protein product. Loss-of-function variants in ATP13A2 are known to be pathogenic (PMID: 16964263, 21696388).

Literature cited by the submitters: PubMed 16964263; PubMed 21696388.

NM_022089.4(ATP13A2):c.1296dup (p.Ser433fs)

Gene: ATP13A2 (ATPase cation transporting 13A2; minus strand). Cytogenetic location: 1p36.13.
Variant type: Duplication.
Coding change: c.1296dup on transcript NM_022089.4 (MANE Select); coding-DNA position 1296, one base duplicated (C; older notation c.1296dupC).
Protein change: p.Ser433fs; shifts the reading frame from serine 433.
Molecular consequence: frameshift variant.
Genome position (GRCh38, 1-based): chr1:16,996,396, G duplicated on the plus strand (C on the coding strand, the reverse complement: ATP13A2 is on the minus strand). VCF-style (leftmost placement, unchanged base first): chr1-16996395-A-AG. GRCh37 (hg19) VCF-style: chr1-17322890-A-AG.
Other names: c.1281dup, p.Ser428fs (NM_001141973.3, NM_001141974.3); short protein forms S433fs, S428fs.
Identifiers: ClinVar variation 2013159 (VCV002013159.4), dbSNP rs2523638610, ClinGen allele CA2580060632.